The following is an entry in ClinVar:

NC_000009.12:g.(?_140562016)_(140730116_?)del

Variant type: Deletion.
Identifiers: ClinVar variation 3340459 (VCV003340459.2).

ClinVar aggregate classification (germline): Pathogenic (0 of 4 stars; one submission).

Conditions:
Kleefstra syndrome 1 (KLEFS1). Identifiers: Orphanet 261494, MedGen C0795833, MONDO:0027407, OMIM 610253.

Submission:

Genetics Laboratory, The Affiliated Women's and Children's Hospital of Qingdao University
Classification: Pathogenic for Kleefstra syndrome 1. Last evaluated: 2024-01-13. Review status: no assertion criteria provided. Collection method: research. Allele origin: germline. Inheritance: Autosomal dominant inheritance. Affected: yes.
Comment: (PM2 PP) Variants may be pathogenic according to the American College of Medical Genetics and Genomics Variant Classification Guide (ACMG:PVS+PP)